The following is an entry in ClinVar:

ClinVar aggregate classification (germline): Benign/Likely benign. Review status: criteria provided, multiple submitters, no conflicts (2 of 4 stars). 3 submissions from 3 submitters: Benign (1); Likely benign (2). Last evaluated 2025-06-12.

Conditions:
COG4-congenital disorder of glycosylation. Also called: CONGENITAL DISORDER OF GLYCOSYLATION, TYPE IIj; CDG IIj; COG4-CDG. Identifiers: Orphanet 263501, MedGen C4303552, MONDO:0013281, OMIM 613489.

Allele frequency attached by ClinVar (database versions not stated): ESP Exome Variant Server 0.00139; gnomAD 0.00175 and 0.00183; 1000 Genomes Project 0.00180; 1000 Genomes Project 30x 0.00187; TOPMed 0.00193.
gnomAD v4.1: 557 of 1,614,076 alleles (0.035%); highest among the groups gnomAD compares: African/African-American, 0.65%; 1 homozygote.

Submissions (3):

Labcorp Genetics (formerly Invitae), Labcorp
Classification: Benign for COG4-congenital disorder of glycosylation. Last evaluated: 2025-06-12. Review status: criteria provided, single submitter. Criteria: Invitae Variant Classification Sherloc (09022015). Collection method: clinical testing. Allele origin: germline.

Blueprint Genetics
Classification: Likely benign. Last evaluated: 2023-05-19. Review status: criteria provided, single submitter. Criteria: ACMG Guidelines, 2015. Collection method: clinical testing. Allele origin: germline.

GeneDx
Classification: Likely benign. Last evaluated: 2016-11-25. Review status: criteria provided, single submitter. Criteria: GeneDx Variant Classification (06012015). Collection method: clinical testing. Allele origin: germline. Affected: yes.
Comment: This variant is considered likely benign or benign based on one or more of the following criteria: it is a conservative change, it occurs at a poorly conserved position in the protein, it is predicted to be benign by multiple in silico algorithms, and/or has population frequency not consistent with disease.

NM_015386.3(COG4):c.1560C>T (p.Ala520=)

Gene: COG4 (component of oligomeric golgi complex 4; minus strand). Cytogenetic location: 16q22.1.
Variant type: single nucleotide variant.
Coding change: c.1560C>T on transcript NM_015386.3 (MANE Select); coding-DNA position 1560, C replaced by T.
Protein change: p.Ala520=; no amino-acid change (alanine 520 retained).
Molecular consequence: synonymous variant. On other transcripts: non-coding transcript variant (1).
Genome position (GRCh38, 1-based): chr16:70,496,353, G>A on the plus strand (C>T on the coding strand, the complement: COG4 is on the minus strand). VCF-style: chr16-70496353-G-A. GRCh37 (hg19) VCF-style: chr16-70530256-G-A.
Other names: c.1548C>T, p.Ala516= (NM_001195139.2); c.1134C>T, p.Ala378= (NM_001365426.1).
Identifiers: ClinVar variation 384207 (VCV000384207.13), dbSNP rs115668774, ClinGen allele CA8144295.